The following is an entry in ClinVar:

NM_025081.3(NYNRIN):c.4745A>C (p.Tyr1582Ser)

Gene: NYNRIN (NYN domain and retroviral integrase containing; plus strand). Cytogenetic location: 14q12.
Variant type: single nucleotide variant.
Coding change: c.4745A>C on transcript NM_025081.3 (MANE Select); coding-DNA position 4745, A replaced by C.
Protein change: p.Tyr1582Ser; replaces tyrosine 1582 with serine.
Molecular consequence: missense variant.
Genome position (GRCh38, 1-based): chr14:24,416,494, A>C. VCF-style: chr14-24416494-A-C. GRCh37 (hg19) VCF-style: chr14-24885700-A-C.
Other names: short protein forms Y1582S.
Identifiers: ClinVar variation 3722827 (VCV003722827.2).

ClinVar aggregate classification (germline): Uncertain significance (1 of 4 stars; one submission).

Submission:

Labcorp Genetics (formerly Invitae), Labcorp
Classification: Uncertain significance. Last evaluated: 2024-10-13. Review status: criteria provided, single submitter. Criteria: Invitae Variant Classification Sherloc (09022015). Collection method: clinical testing. Allele origin: germline.
Comment: This sequence change replaces tyrosine, which is neutral and polar, with serine, which is neutral and polar, at codon 1582 of the NYNRIN protein (p.Tyr1582Ser). This variant is not present in population databases (gnomAD no frequency). This variant has not been reported in the literature in individuals affected with NYNRIN-related conditions. Experimental studies and prediction algorithms are not available or were not evaluated, and the functional significance of this variant is currently unknown. In summary, the available evidence is currently insufficient to determine the role of this variant in disease. Therefore, it has been classified as a Variant of Uncertain Significance.